The following is an entry in ClinVar:

ClinVar aggregate classification (germline): Benign (1 of 4 stars; one submission).

Allele frequency attached by ClinVar (database versions not stated): 1000 Genomes Project 0.00439; 1000 Genomes Project 30x 0.00453; gnomAD exomes 0.00713.
gnomAD v4.1: 2,645 of 398,586 alleles (0.66%); highest among the groups gnomAD compares: Admixed American, 1.2%; 12 homozygotes.

Submission:

CeGaT Center for Human Genetics Tuebingen
Classification: Benign. Last evaluated: 2026-09-01. Review status: criteria provided, single submitter. Criteria: CeGaT Center For Human Genetics Tuebingen Variant Classification Criteria Version 2. Collection method: clinical testing. Allele origin: germline. Affected: yes. Observed: 74 variant alleles.
Comment: KCNQ1: BS1, BS2; KCNQ1OT1: BS1, BS2

NM_000218.3(KCNQ1):c.1393+31864G>A

Genes: KCNQ1 (potassium voltage-gated channel subfamily Q member 1; plus strand), KCNQ1OT1 (KCNQ1 opposite strand/antisense transcript 1; minus strand). Cytogenetic location: 11p15.5.
Variant type: single nucleotide variant.
Coding change: c.1393+31864G>A on transcript NM_000218.3 (MANE Select); 31864 bases into the intron after coding-DNA position 1393, G replaced by A.
Molecular consequence: intron variant.
Genome position (GRCh38, 1-based): chr11:2,620,718, G>A. VCF-style: chr11-2620718-G-A. GRCh37 (hg19) VCF-style: chr11-2641948-G-A.
Other names: c.1123+31864G>A (NM_001406837.1); c.1297+31864G>A (NM_001406836.1); c.853+31864G>A (NM_001406838.1); c.1012+31864G>A (NM_181798.2).
Identifiers: ClinVar variation 1701155 (VCV001701155.31), dbSNP rs150282050, ClinGen allele CA216362231.